The following is an entry in ClinVar:

ClinVar aggregate classification (germline): Conflicting classifications of pathogenicity. Review status: criteria provided, conflicting classifications (1 of 4 stars). 9 submissions from 8 submitters: Uncertain significance (1); Benign (2); Likely benign (5). 1 of the submissions does not count toward it. Last evaluated 2026-01-28.

Conditions:
APOB-related disorder. Also called: APOB-related disorders; APOB-related condition.
Cardiovascular phenotype. Identifiers: MedGen CN230736.
Hypercholesterolemia, autosomal dominant, type B (FHCL2). Also called: APOLIPOPROTEIN B-100, FAMILIAL DEFECTIVE; APOLIPOPROTEIN B-100, FAMILIAL LIGAND-DEFECTIVE; HYPERCHOLESTEROLEMIA, FAMILIAL, DUE TO LIGAND-DEFECTIVE APOLIPOPROTEIN B; Familial Hypercholesterolemia Type B; Hyperlipoproteinemia Type IIb; APOB-Related Familial Hypercholesterolemia, Autosomal Dominant. Identifiers: MedGen C1704417, MONDO:0007751, OMIM 144010.
Familial hypobetalipoproteinemia 1. Also called: APOB-Related Familial Hypobetalipoproteinemia; Hypobetalipoproteinemia, normotriglyceridemic; Acanthocytosis with hypobetalipoproteinemia. Identifiers: MedGen C4551990, MONDO:0014252, OMIM 615558.
Familial hypercholesterolemia. Also called: Familial hypercholesterolemias; Familial hypercholesterolaemia. Identifiers: MedGen C0020445, MONDO:0005439.

Allele frequency attached by ClinVar (database versions not stated): gnomAD exomes 0.00016 and 0.00051; gnomAD 0.00019 and 0.00022; TOPMed 0.00028; ExAC 0.00053; 1000 Genomes Project 0.00080; 1000 Genomes Project 30x 0.00094.
gnomAD v4.1: 265 of 1,613,876 alleles (0.016%); highest among the groups gnomAD compares: East Asian, 0.4%; no homozygotes.

Submissions (9):

Labcorp Genetics (formerly Invitae), Labcorp
Classification: Benign for Familial hypobetalipoproteinemia 1; Hypercholesterolemia, autosomal dominant, type B. Last evaluated: 2026-01-28. Review status: criteria provided, single submitter. Criteria: Invitae Variant Classification Sherloc (09022015). Collection method: clinical testing. Allele origin: germline.

Quest Diagnostics Nichols Institute San Juan Capistrano
Classification: Likely benign. Last evaluated: 2025-09-12. Review status: criteria provided, single submitter. Criteria: Quest Diagnostics criteria. Collection method: clinical testing. Allele origin: unknown.

Molecular Diagnostic Laboratory for Inherited Cardiovascular Disease, Montreal Heart Institute
Classification: Likely benign. Last evaluated: 2025-04-09. Review status: criteria provided, single submitter. Criteria: ACMG Guidelines, 2015. Collection method: clinical testing. Allele origin: germline. Affected: no.
Comment: BS1,BP4.

GENinCode PLC
Classification: Benign for Familial hypercholesterolemia. Last evaluated: 2023-08-18. Review status: criteria provided, single submitter. Criteria: ACMG Guidelines, 2015. Collection method: clinical testing. Allele origin: germline.

Ambry Genetics
Classification: Likely benign for Cardiovascular phenotype. Last evaluated: 2018-03-16. Review status: criteria provided, single submitter. Criteria: Ambry Variant Classification Scheme 2023. Collection method: clinical testing. Allele origin: germline.

Illumina Laboratory Services, Illumina
Classification: Likely benign for Hypercholesterolemia, autosomal dominant, type B. Last evaluated: 2017-04-27. Review status: criteria provided, single submitter. Criteria: ICSL Variant Classification Criteria 13 December 2019. Collection method: clinical testing. Allele origin: germline.
Comment: This variant was observed as part of a predisposition screen in an ostensibly healthy population. A literature search was performed for the gene, cDNA change, and amino acid change (where applicable). No publications were found based on this search. Allele frequency data from public databases allowed determination this variant is unlikely to cause disease. Therefore, this variant is classified as likely benign.

Illumina Laboratory Services, Illumina
Classification: Uncertain significance for Familial hypobetalipoproteinemia 1. Last evaluated: 2017-04-27. Review status: criteria provided, single submitter. Criteria: ICSL Variant Classification Criteria 13 December 2019. Collection method: clinical testing. Allele origin: germline.

GeneDx
Classification: Likely benign. Last evaluated: 2016-10-21. Review status: criteria provided, single submitter. Criteria: GeneDx Variant Classification (06012015). Collection method: clinical testing. Allele origin: germline. Affected: yes.
Comment: This variant is considered likely benign or benign based on one or more of the following criteria: it is a conservative change, it occurs at a poorly conserved position in the protein, it is predicted to be benign by multiple in silico algorithms, and/or has population frequency not consistent with disease.

PreventionGenetics, part of Exact Sciences
Classification: Likely benign for APOB-related condition. Last evaluated: 2019-07-30. Review status: no assertion criteria provided. Collection method: clinical testing. Allele origin: germline. Not counted in ClinVar's aggregate classification.
Comment: This variant is classified as likely benign based on ACMG/AMP sequence variant interpretation guidelines (Richards et al. 2015 PMID: 25741868, with internal and published modifications).

Literature cited by the submitters: PubMed 30206226 (cited by Quest Diagnostics Nichols Institute San Juan Capistrano); PubMed 32625235 (cited by Quest Diagnostics Nichols Institute San Juan Capistrano); PubMed 29036232 (cited by Quest Diagnostics Nichols Institute San Juan Capistrano); PubMed 30348779 (cited by Quest Diagnostics Nichols Institute San Juan Capistrano); PubMed 28953935 (cited by Quest Diagnostics Nichols Institute San Juan Capistrano); PubMed 35761384 (cited by Quest Diagnostics Nichols Institute San Juan Capistrano); PubMed 36190978 (cited by Quest Diagnostics Nichols Institute San Juan Capistrano).

NM_000384.3(APOB):c.12016G>A (p.Val4006Ile)

Gene: APOB (apolipoprotein B; minus strand). Cytogenetic location: 2p24.1.
Variant type: single nucleotide variant.
Coding change: c.12016G>A on transcript NM_000384.3 (MANE Select); coding-DNA position 12016, G replaced by A.
Protein change: p.Val4006Ile; replaces valine 4006 with isoleucine.
Molecular consequence: missense variant.
Genome position (GRCh38, 1-based): chr2:21,004,340, C>T on the plus strand (G>A on the coding strand, the complement: APOB is on the minus strand). VCF-style: chr2-21004340-C-T. GRCh37 (hg19) VCF-style: chr2-21227212-C-T.
Other names: short protein forms V4006I.
Identifiers: ClinVar variation 390202 (VCV000390202.34), dbSNP rs183117027, ClinGen allele CA048632.